The following is an entry in ClinVar:

ClinVar aggregate classification (germline): Uncertain significance. Review status: criteria provided, multiple submitters, no conflicts (2 of 4 stars). 4 submissions from 3 submitters: Uncertain significance (4). Last evaluated 2023-04-11.

Conditions:
Cone-rod dystrophy 10 (CORD10). Identifiers: Orphanet 1872, MedGen C1846529, MONDO:0012464, OMIM 610283.
Retinitis pigmentosa 35 (RP35). Identifiers: Orphanet 791, MedGen C1853214, MONDO:0012463, OMIM 610282.

Allele frequency attached by ClinVar (database versions not stated): gnomAD exomes below 0.00001.

Submissions (4):

Genome-Nilou Lab
Classification: Uncertain significance for Cone-rod dystrophy 10. Last evaluated: 2023-04-11. Review status: criteria provided, single submitter. Criteria: ACMG Guidelines, 2015. Collection method: clinical testing. Allele origin: germline. Affected: no.

Genome-Nilou Lab
Classification: Uncertain significance for Retinitis pigmentosa 35. Last evaluated: 2023-04-11. Review status: criteria provided, single submitter. Criteria: ACMG Guidelines, 2015. Collection method: clinical testing. Allele origin: germline. Affected: no.

Labcorp Genetics (formerly Invitae), Labcorp
Classification: Uncertain significance. Last evaluated: 2021-08-19. Review status: criteria provided, single submitter. Criteria: Invitae Variant Classification Sherloc (09022015). Collection method: clinical testing. Allele origin: germline.
Comment: Algorithms developed to predict the effect of missense changes on protein structure and function (SIFT, PolyPhen-2, Align-GVGD) all suggest that this variant is likely to be tolerated. This variant has not been reported in the literature in individuals affected with SEMA4A-related conditions. This variant is not present in population databases (ExAC no frequency). This sequence change replaces proline with serine at codon 595 of the SEMA4A protein (p.Pro595Ser). The proline residue is weakly conserved and there is a moderate physicochemical difference between proline and serine. In summary, the available evidence is currently insufficient to determine the role of this variant in disease. Therefore, it has been classified as a Variant of Uncertain Significance.

Ambry Genetics
Classification: Uncertain significance. Last evaluated: 2021-07-09. Review status: criteria provided, single submitter. Criteria: Ambry Variant Classification Scheme 2023. Collection method: clinical testing. Allele origin: germline.

NM_022367.4(SEMA4A):c.1783C>T (p.Pro595Ser)

Gene: SEMA4A (semaphorin 4A; plus strand). Cytogenetic location: 1q22.
Variant type: single nucleotide variant.
Coding change: c.1783C>T on transcript NM_022367.4 (MANE Select); coding-DNA position 1783, C replaced by T.
Protein change: p.Pro595Ser; replaces proline 595 with serine.
Molecular consequence: missense variant.
Genome position (GRCh38, 1-based): chr1:156,176,494, C>T. VCF-style: chr1-156176494-C-T. GRCh37 (hg19) VCF-style: chr1-156146285-C-T.
Other names: c.1783C>T (NM_022367.3); c.1783C>T, p.Pro595Ser (NM_001193300.2, NM_001193301.2, NM_001370567.1); c.1387C>T, p.Pro463Ser (NM_001193302.2); c.1486C>T, p.Pro496Ser (NM_001370568.1); c.1276C>T, p.Pro426Ser (NM_001370569.1, NM_001370571.1); short protein forms P426S, P595S, P463S, P496S.
Identifiers: ClinVar variation 1510361 (VCV001510361.7), dbSNP rs1286943189, ClinGen allele CA342811654.